The following is an entry in ClinVar:

ClinVar aggregate classification (germline): Uncertain significance. Review status: criteria provided, multiple submitters, no conflicts (2 of 4 stars). 5 submissions from 5 submitters: Uncertain significance (5). Last evaluated 2026-08-10.

Conditions:
Hereditary cancer-predisposing syndrome. Also called: Neoplastic Syndromes, Hereditary; Hereditary Cancer Syndrome; Tumor predisposition; Hereditary neoplastic syndrome. Identifiers: Orphanet 140162, MedGen C0027672, MeSH D009386, MONDO:0015356.
Cardiovascular phenotype. Identifiers: MedGen CN230736.
Noonan syndrome 10 (NS10). Identifiers: Orphanet 648, MedGen C4225280, MONDO:0014693, OMIM 616564.
LZTR1-related disorder. Also called: LZTR1-related disorders; LZTR1-related condition.

Allele frequency attached by ClinVar (database versions not stated): gnomAD 0.00001; gnomAD exomes 0.00001; ExAC 0.00002; TOPMed 0.00003; ESP Exome Variant Server 0.00008.
gnomAD v4.1: 6 of 1,611,024 alleles (0.00037%); highest among the groups gnomAD compares: African/African-American, 0.004%; no homozygotes.

Submissions (5):

PreventionGenetics, part of Exact Sciences
Classification: Uncertain significance for LZTR1-related condition. Last evaluated: 2026-08-10. Review status: criteria provided, single submitter. Criteria: ACMG Guidelines, 2015. Collection method: clinical testing. Allele origin: germline.
Comment: The LZTR1 c.1354-5T>A variant is predicted to interfere with splicing. This variant is predicted to impact splicing based on a splicing prediction program (SpliceAI, Jaganathan K, et al. 2019. PubMed ID: 30661751). To our knowledge, this variant has not been reported in the literature. This variant is reported in 0.0064% of alleles in individuals of African descent in gnomAD and has been classified as uncertain by multiple submitters in ClinVar (Variation ID: 1339704). At this time, the clinical significance of this variant is uncertain due to the absence of conclusive functional and genetic evidence.

Labcorp Genetics (formerly Invitae), Labcorp
Classification: Uncertain significance. Last evaluated: 2025-12-22. Review status: criteria provided, single submitter. Criteria: Invitae Variant Classification Sherloc (09022015). Collection method: clinical testing. Allele origin: germline.
Comment: This sequence change falls in intron 12 of the LZTR1 gene. It does not directly change the encoded amino acid sequence of the LZTR1 protein. This variant is present in population databases (rs368421766, gnomAD 0.007%). This variant has not been reported in the literature in individuals affected with LZTR1-related conditions. ClinVar contains an entry for this variant (Variation ID: 1339704). Algorithms developed to predict the effect of sequence changes on RNA splicing suggest that this variant may disrupt the consensus splice site. In summary, the available evidence is currently insufficient to determine the role of this variant in disease. Therefore, it has been classified as a Variant of Uncertain Significance.

Ambry Genetics
Classification: Uncertain significance for Cardiovascular phenotype; Hereditary cancer-predisposing syndrome. Last evaluated: 2025-10-20. Review status: criteria provided, single submitter. Criteria: Ambry Variant Classification Scheme 2023. Collection method: clinical testing. Allele origin: germline.
Comment: The c.1354-5T>A intronic variant results from a T to A substitution 5 nucleotides upstream from coding exon 13 in the LZTR1 gene. This nucleotide position is not well conserved in available vertebrate species. In silico splice site analysis for this alteration is inconclusive, and direct evidence is insufficient at this time (Ambry internal data). Based on the available evidence, the clinical significance of this variant remains unclear.

St. Jude Molecular Pathology, St. Jude Children's Research Hospital
Classification: Uncertain significance for Noonan syndrome 10. Last evaluated: 2022-11-16. Review status: criteria provided, single submitter. Criteria: St. Jude Assertion Criteria 2020. Collection method: clinical testing. Allele origin: germline.
Comment: The LZTR1 c.1354-5T>A intronic change results from a T to A substitution at the -5 position of intron 12 of the LZTR1 gene. Algorithms that predict the impact of sequence changes on splicing indicate that this change may result in loss of the native acceptor site at c.1354 and activation of a cryptic acceptor site, however RNA data is not available to confirm this prediction. This variant has a maximum subpopulation frequency of 0.0064% in gnomAD v2.1.1. To our knowledge, this variant has not been reported in individuals with Noonan syndrome or Schwannomatosis. In summary, the evidence currently available is insufficient to determine the clinical significance of this variant. It has therefore been classified as of uncertain significance.

Women's Health and Genetics/Laboratory Corporation of America, LabCorp
Classification: Uncertain significance. Last evaluated: 2022-01-15. Review status: criteria provided, single submitter. Criteria: LabCorp Variant Classification Summary - May 2015. Collection method: clinical testing. Allele origin: germline.

NM_006767.4(LZTR1):c.1354-5T>A

Gene: LZTR1 (leucine zipper like post translational regulator 1; plus strand). Cytogenetic location: 22q11.21.
Variant type: single nucleotide variant.
Coding change: c.1354-5T>A on transcript NM_006767.4 (MANE Select); 5 bases into the intron before coding-DNA position 1354, T replaced by A.
Molecular consequence: intron variant.
Genome position (GRCh38, 1-based): chr22:20,993,919, T>A. VCF-style: chr22-20993919-T-A. GRCh37 (hg19) VCF-style: chr22-21348208-T-A.
Identifiers: ClinVar variation 1339704 (VCV001339704.12), dbSNP rs368421766, ClinGen allele CA10118854.
Genomic context (GRCh38, chr22:20,993,919, plus strand): 5'-GCTGGGTCTCTGTTCTCTGGGGCGAGGGTCCTGTGCCCTCTGCCAGTGCATCATTCTTTG[T>A]GCAGAAGGAGGAGTGCGTGCAGGGCCACGTAGCCATTGTCACAGCGCGGAGCCGCTGGCT-3'